The following is an entry in ClinVar:

NM_000352.6(ABCC8):c.393C>A (p.Asn131Lys)

Gene: ABCC8 (ATP binding cassette subfamily C member 8; minus strand). Cytogenetic location: 11p15.1.
Variant type: single nucleotide variant.
Coding change: c.393C>A on transcript NM_000352.6 (MANE Select); coding-DNA position 393, C replaced by A.
Protein change: p.Asn131Lys; replaces asparagine 131 with lysine.
Molecular consequence: missense variant. On other transcripts: non-coding transcript variant (1).
Genome position (GRCh38, 1-based): chr11:17,470,120, G>T on the plus strand (C>A on the coding strand, the complement: ABCC8 is on the minus strand). VCF-style: chr11-17470120-G-T. GRCh37 (hg19) VCF-style: chr11-17491667-G-T.
Other names: c.393C>A, p.Asn131Lys (NM_001287174.3, NM_001351295.2, NM_001351296.2 and 1 more transcripts); short protein forms N131K.
Identifiers: ClinVar variation 4847852 (VCV004847852.1).

ClinVar aggregate classification (germline): Uncertain significance (1 of 4 stars; one submission).

gnomAD v4.1: 1 of 1,614,052 alleles (0.000062%); highest among the groups gnomAD compares: African/African-American, 0.0013%; no homozygotes.

Submission:

Women's Health and Genetics/Laboratory Corporation of America, LabCorp
Classification: Uncertain significance. Last evaluated: 2026-02-13. Review status: criteria provided, single submitter. Criteria: LabCorp Variant Classification Summary - May 2015. Collection method: clinical testing. Allele origin: germline.
Comment: Variant summary: ABCC8 c.393C>A (p.Asn131Lys) results in a non-conservative amino acid change in the encoded protein sequence. Algorithms developed to predict the effect of missense changes on protein structure and function all suggest that this variant is likely to be disruptive. The variant was absent in 251434 control chromosomes. The available data on variant occurrences in the general population are insufficient to allow any conclusion about variant significance. c.393C>A has been observed in the compound heterozygous state in an individual affected with permanent neonata diabetes mellitus (Madani_2019). These data do not allow any conclusion about variant significance. To our knowledge, no experimental evidence demonstrating an impact on protein function has been reported. No submitters have cited clinical-significance assessments for this variant to ClinVar. Based on the evidence outlined above, the variant was classified as uncertain significance.